The following is an entry in ClinVar:

ClinVar aggregate classification (germline): Uncertain significance. Review status: criteria provided, multiple submitters, no conflicts (2 of 4 stars). 2 submissions from 2 submitters: Uncertain significance (2). Last evaluated 2025-04-06.

Allele frequency attached by ClinVar (database versions not stated): gnomAD 0.00002; ExAC 0.00003; gnomAD exomes 0.00003; TOPMed 0.00003.
gnomAD v4.1: 53 of 1,611,806 alleles (0.0033%); highest among the groups gnomAD compares: Middle Eastern, 0.016%; no homozygotes.

Submissions (2):

GeneDx
Classification: Uncertain significance. Last evaluated: 2025-04-06. Review status: criteria provided, single submitter. Criteria: GeneDx Variant Classification Process June 2021. Collection method: clinical testing. Allele origin: germline. Affected: yes.
Comment: Not observed at significant frequency in large population cohorts (gnomAD); In silico analysis indicates that this missense variant does not alter protein structure/function; Has not been previously published as pathogenic or benign to our knowledge

Labcorp Genetics (formerly Invitae), Labcorp
Classification: Uncertain significance. Last evaluated: 2021-08-28. Review status: criteria provided, single submitter. Criteria: Invitae Variant Classification Sherloc (09022015). Collection method: clinical testing. Allele origin: germline.
Comment: This sequence change replaces arginine with glutamine at codon 1081 of the SBF1 protein (p.Arg1081Gln). The arginine residue is moderately conserved and there is a small physicochemical difference between arginine and glutamine. This variant is present in population databases (rs767613094, ExAC 0.01%). This variant has not been reported in the literature in individuals affected with SBF1-related conditions. Algorithms developed to predict the effect of missense changes on protein structure and function are either unavailable or do not agree on the potential impact of this missense change (SIFT: "Tolerated"; PolyPhen-2: "Possibly Damaging"; Align-GVGD: "Class C0"). In summary, the available evidence is currently insufficient to determine the role of this variant in disease. Therefore, it has been classified as a Variant of Uncertain Significance.

NM_002972.4(SBF1):c.3242G>A (p.Arg1081Gln)

Gene: SBF1 (SET binding factor 1; minus strand). Cytogenetic location: 22q13.33.
Variant type: single nucleotide variant.
Coding change: c.3242G>A on transcript NM_002972.4 (MANE Select); coding-DNA position 3242, G replaced by A.
Protein change: p.Arg1081Gln; replaces arginine 1081 with glutamine.
Molecular consequence: missense variant.
Genome position (GRCh38, 1-based): chr22:50,460,313, C>T on the plus strand (G>A on the coding strand, the complement: SBF1 is on the minus strand). VCF-style: chr22-50460313-C-T. GRCh37 (hg19) VCF-style: chr22-50898742-C-T.
Other names: c.3242G>A (NM_002972.2); c.3245G>A, p.Arg1082Gln (NM_001365819.1); short protein forms R1082Q, R1081Q.
Identifiers: ClinVar variation 1446743 (VCV001446743.6), dbSNP rs767613094, ClinGen allele CA10316809.
Genomic context (GRCh38, chr22:50,460,313, plus strand): 5'-TCCACCCCCACCCCTCCACCTGAGATCTCGTCCTCCTGGTCCTCAGGGGGCGGCTGGCCC[C>T]GGTGCTCCCAGCTGGGGGGGTTGTACTTCTTGCGAGTGACATGCTGCCGCCCGATGGTCT-3'
Protein context (NP_002963.2, residues 1071-1091): KKYNPPSWEH[Arg1081Gln]GQPPPEDQED